The following is an entry in ClinVar:

NM_001014342.3(FLG2):c.5581G>T (p.Gly1861Cys)

Genes: CCDST (cervical cancer associated DHX9 suppressive transcript; plus strand), FLG2 (filaggrin 2; minus strand). Cytogenetic location: 1q21.3.
Variant type: single nucleotide variant.
Coding change: c.5581G>T on transcript NM_001014342.3 (MANE Select); coding-DNA position 5581, G replaced by T.
Protein change: p.Gly1861Cys; replaces glycine 1861 with cysteine.
Molecular consequence: missense variant.
Genome position (GRCh38, 1-based): chr1:152,352,205, C>A on the plus strand (G>T on the coding strand, the complement: FLG2 is on the minus strand). VCF-style: chr1-152352205-C-A. GRCh37 (hg19) VCF-style: chr1-152324681-C-A.
Other names: short protein forms G1861C.
Identifiers: ClinVar variation 3095624 (VCV003095624.3), dbSNP rs201976970, ClinGen allele CA1108493.

ClinVar aggregate classification (germline): Uncertain significance. Review status: criteria provided, multiple submitters, no conflicts (2 of 4 stars). 2 submissions from 2 submitters: Uncertain significance (2). Last evaluated 2025-12-03.

Allele frequency attached by ClinVar (database versions not stated): gnomAD exomes below 0.00001; gnomAD 0.00002; ESP Exome Variant Server 0.00008; 1000 Genomes Project 30x 0.00016; 1000 Genomes Project 0.00020; ExAC 0.00005; TOPMed 0.00002.

Submissions (2):

Ambry Genetics
Classification: Uncertain significance. Last evaluated: 2025-12-03. Review status: criteria provided, single submitter. Criteria: Ambry Variant Classification Scheme 2023. Collection method: clinical testing. Allele origin: germline.

GeneDx
Classification: Uncertain significance. Last evaluated: 2025-03-26. Review status: criteria provided, single submitter. Criteria: GeneDx Variant Classification Process June 2021. Collection method: clinical testing. Allele origin: germline. Affected: yes.
Comment: In silico analysis indicates that this missense variant does not alter protein structure/function; Has not been previously published as pathogenic or benign to our knowledge